The following is an entry in ClinVar:

ClinVar aggregate classification (germline): Pathogenic (1 of 4 stars; one submission).

Conditions:
Familial cancer of breast. Also called: Hereditary breast cancer; BREAST CANCER, FAMILIAL; hereditary breast carcinoma. Identifiers: Orphanet 227535, MedGen C0346153, MONDO:0016419, OMIM 114480. Disease mechanism: loss of function.

Submission:

Myriad Genetics, Inc.
Classification: Pathogenic for Familial cancer of breast. Last evaluated: 2023-06-07. Review status: criteria provided, single submitter. Criteria: Myriad Autosomal Dominant, Autosomal Recessive and X-Linked Classification Criteria (2023). Collection method: clinical testing. Allele origin: unknown.
Comment: This variant is considered pathogenic. This variant creates a frameshift predicted to result in premature protein truncation.

NM_032043.3(BRIP1):c.2902delA (p.Asn969fs)

Gene: BRIP1 (BRCA1 interacting DNA helicase 1; minus strand). Cytogenetic location: 17q23.2.
Variant type: Deletion.
Coding change: c.2902delA on transcript NM_032043.3 (MANE Select); coding-DNA position 2902, one base deleted (A).
Protein change: p.Asn969fs; shifts the reading frame from asparagine 969.
Molecular consequence: frameshift variant.
Genome position (GRCh38, 1-based): chr17:61,685,836, T deleted on the plus strand (A on the coding strand, the reverse complement: BRIP1 is on the minus strand); the first of 4 consecutive T bases (chr17:61,685,836-61,685,839); deleting any one gives the same sequence. VCF-style (leftmost placement, unchanged base first): chr17-61685835-CT-C. GRCh37 (hg19) VCF-style: chr17-59763196-CT-C.
Other names: short protein forms N969fs.
Identifiers: ClinVar variation 2583745 (VCV002583745.2), dbSNP rs2544569440, ClinGen allele CA2582342312.